The following is an entry in ClinVar:

NM_001040108.2(MLH3):c.2956G>A (p.Val986Ile)

Gene: MLH3 (mutL homolog 3; minus strand). Cytogenetic location: 14q24.3.
Variant type: single nucleotide variant.
Coding change: c.2956G>A on transcript NM_001040108.2 (MANE Select); coding-DNA position 2956, G replaced by A.
Protein change: p.Val986Ile; replaces valine 986 with isoleucine.
Molecular consequence: missense variant.
Genome position (GRCh38, 1-based): chr14:75,046,700, C>T on the plus strand (G>A on the coding strand, the complement: MLH3 is on the minus strand). VCF-style: chr14-75046700-C-T. GRCh37 (hg19) VCF-style: chr14-75513403-C-T.
Other names: c.2956G>A, p.Val986Ile (NM_014381.3); c.2956G>A (NM_001040108.1); short protein forms V986I.
Identifiers: ClinVar variation 1034832 (VCV001034832.11), dbSNP rs1892251952, ClinGen allele CA390437232.

ClinVar aggregate classification (germline): Uncertain significance. Review status: criteria provided, multiple submitters, no conflicts (2 of 4 stars). 2 submissions from 2 submitters: Uncertain significance (2). Last evaluated 2025-04-12.

Conditions:
Colorectal cancer, hereditary nonpolyposis, type 7. Identifiers: Orphanet 144, MedGen C1858380, MONDO:0013725, OMIM 614385.

Allele frequency attached by ClinVar (database versions not stated): gnomAD exomes below 0.00001.
gnomAD v4.1: 1 of 1,614,170 alleles (0.000062%); highest among the groups gnomAD compares: Non-Finnish European, 0.000085%; no homozygotes.

Submissions (2):

Ambry Genetics
Classification: Uncertain significance. Last evaluated: 2025-04-12. Review status: criteria provided, single submitter. Criteria: Ambry Variant Classification Scheme 2023. Collection method: clinical testing. Allele origin: germline.
Comment: The p.V986I variant (also known as c.2956G>A), located in coding exon 1 of the MLH3 gene, results from a G to A substitution at nucleotide position 2956. The valine at codon 986 is replaced by isoleucine, an amino acid with highly similar properties. This amino acid position is conserved. In addition, this alteration is predicted to be tolerated by in silico analysis. Since supporting evidence is limited at this time, the clinical significance of this alteration remains unclear.

Labcorp Genetics (formerly Invitae), Labcorp
Classification: Uncertain significance for Colorectal cancer, hereditary nonpolyposis, type 7. Last evaluated: 2020-01-25. Review status: criteria provided, single submitter. Criteria: Invitae Variant Classification Sherloc (09022015). Collection method: clinical testing. Allele origin: germline.
Comment: Algorithms developed to predict the effect of missense changes on protein structure and function output the following: SIFT: "Tolerated"; PolyPhen-2: "Benign"; Align-GVGD: "Class C0". The isoleucine amino acid residue is found in multiple mammalian species, suggesting that this missense change does not adversely affect protein function. These predictions have not been confirmed by published functional studies and their clinical significance is uncertain. This sequence change replaces valine with isoleucine at codon 986 of the MLH3 protein (p.Val986Ile). The valine residue is weakly conserved and there is a small physicochemical difference between valine and isoleucine. This variant is not present in population databases (ExAC no frequency). This variant has not been reported in the literature in individuals with MLH3-related conditions. In summary, the available evidence is currently insufficient to determine the role of this variant in disease. Therefore, it has been classified as a Variant of Uncertain Significance.